The following is an entry in ClinVar:

NM_001197104.2(KMT2A):c.4594C>T (p.Arg1532Cys)

Gene: KMT2A (lysine methyltransferase 2A; plus strand). Cytogenetic location: 11q23.3.
Variant type: single nucleotide variant.
Coding change: c.4594C>T on transcript NM_001197104.2 (MANE Select); coding-DNA position 4594, C replaced by T.
Protein change: p.Arg1532Cys; replaces arginine 1532 with cysteine.
Molecular consequence: missense variant.
Genome position (GRCh38, 1-based): chr11:118,490,147, C>T. VCF-style: chr11-118490147-C-T. GRCh37 (hg19) VCF-style: chr11-118360862-C-T.
Other names: c.4693C>T, p.Arg1565Cys (NM_001412597.1); c.4594C>T, p.Arg1532Cys (NM_005933.4); short protein forms R1565C, R1532C.
Identifiers: ClinVar variation 1918516 (VCV001918516.5), dbSNP rs781990391, ClinGen allele CA6303913.
Genomic context (GRCh38, chr11:118,490,147, plus strand): 5'-AAAACAAGAAATTCCTATTGAATTTCTTTTCTTCTTTTCTAGATCTGTACCAAGTGTGTT[C>T]GCTGTAAGAGCTGTGGATCCACAACTCCAGGCAAAGGGTGGGATGCACAGTGGTCTCATG-3'
Protein context (NP_001184033.1, residues 1522-1542): KKVWICTKCV[Arg1532Cys]CKSCGSTTPG

ClinVar aggregate classification (germline): Uncertain significance (1 of 4 stars; one submission).

Allele frequency attached by ClinVar (database versions not stated): gnomAD exomes below 0.00001; ExAC 0.00001.
gnomAD v4.1: 6 of 1,610,290 alleles (0.00037%); highest among the groups gnomAD compares: Admixed American, 0.0017%; no homozygotes.

Submission:

Labcorp Genetics (formerly Invitae), Labcorp
Classification: Uncertain significance. Last evaluated: 2022-07-21. Review status: criteria provided, single submitter. Criteria: Invitae Variant Classification Sherloc (09022015). Collection method: clinical testing. Allele origin: germline.
Comment: In summary, the available evidence is currently insufficient to determine the role of this variant in disease. Therefore, it has been classified as a Variant of Uncertain Significance. Advanced modeling of protein sequence and biophysical properties (such as structural, functional, and spatial information, amino acid conservation, physicochemical variation, residue mobility, and thermodynamic stability) performed at Invitae indicates that this missense variant is expected to disrupt KMT2A protein function. This variant has not been reported in the literature in individuals affected with KMT2A-related conditions. This variant is present in population databases (rs781990391, gnomAD 0.0009%). This sequence change replaces arginine, which is basic and polar, with cysteine, which is neutral and slightly polar, at codon 1532 of the KMT2A protein (p.Arg1532Cys).